The following is an entry in ClinVar:

ClinVar aggregate classification (germline): Pathogenic (1 of 4 stars; one submission).

Submission:

Labcorp Genetics (formerly Invitae), Labcorp
Classification: Pathogenic. Last evaluated: 2022-04-13. Review status: criteria provided, single submitter. Criteria: Invitae Variant Classification Sherloc (09022015). Collection method: clinical testing. Allele origin: germline.
Comment: For these reasons, this variant has been classified as Pathogenic. This variant has not been reported in the literature in individuals affected with DMXL2-related conditions. This variant is not present in population databases (gnomAD no frequency). This sequence change creates a premature translational stop signal (p.Ser2456Valfs*58) in the DMXL2 gene. It is expected to result in an absent or disrupted protein product. Loss-of-function variants in DMXL2 are known to be pathogenic (PMID: 30237576, 31688942).

Literature cited by the submitters: PubMed 30237576; PubMed 31688942.

NM_001378457.1(DMXL2):c.7365del (p.Ser2456fs)

Gene: DMXL2 (Dmx like 2; minus strand). Cytogenetic location: 15q21.2.
Variant type: Deletion.
Coding change: c.7365del on transcript NM_001378457.1 (MANE Select); coding-DNA position 7365, one base deleted (T; older notation c.7365delT).
Protein change: p.Ser2456fs; shifts the reading frame from serine 2456.
Molecular consequence: frameshift variant. On other transcripts: non-coding transcript variant (2).
Genome position (GRCh38, 1-based): chr15:51,471,250, A deleted on the plus strand (T on the coding strand, the reverse complement: DMXL2 is on the minus strand); the first of 2 consecutive A bases (chr15:51,471,250-51,471,251); deleting either gives the same sequence. VCF-style (leftmost placement, unchanged base first): chr15-51471249-TA-T. GRCh37 (hg19) VCF-style: chr15-51763446-TA-T.
Other names: c.7365del, p.Ser2456fs (NM_001174116.3, NM_001378459.1, NM_001378461.1 and 1 more transcripts); c.5454del, p.Ser1819fs (NM_001174117.3); c.7362del, p.Ser2455fs (NM_001378458.1, NM_001378462.1, NM_015263.5); c.5343del, p.Ser1782fs (NM_001378460.1); c.7122del, p.Ser2375fs (NM_001378464.1); short protein forms S2455fs, S2375fs, S1782fs, S1819fs, S2456fs.
Identifiers: ClinVar variation 2125986 (VCV002125986.4), dbSNP rs2548416335, ClinGen allele CA2580089748.
Genomic context (GRCh38, chr15:51,471,249, plus strand): 5'-TTCTCTTAAAGCTTGCATTCCTCACACTCCTTACCTTTGCAACAAAATAATCCCACATAC[TA>T]AGTTCGGGAGGAATAAATTTTTCTTTGTAAGATGGTCTTTCTGCAGGCACCGGTGGTGGG-3'